The following is an entry in ClinVar:

ClinVar aggregate classification (germline): Uncertain significance (1 of 4 stars; one submission).

Conditions:
Cardiovascular phenotype. Identifiers: MedGen CN230736.

Submission:

Ambry Genetics
Classification: Uncertain significance for Cardiovascular phenotype. Last evaluated: 2024-10-08. Review status: criteria provided, single submitter. Criteria: Ambry Variant Classification Scheme 2023. Collection method: clinical testing. Allele origin: germline.
Comment: The p.I224M variant (also known as c.672C>G), located in coding exon 5 of the DSP gene, results from a C to G substitution at nucleotide position 672. The isoleucine at codon 224 is replaced by methionine, an amino acid with highly similar properties. This amino acid position is conserved. In addition, this alteration is predicted to be tolerated by in silico analysis. Based on the available evidence, the clinical significance of this variant remains unclear.

NM_004415.4(DSP):c.672C>G (p.Ile224Met)

Gene: DSP (desmoplakin; plus strand). Cytogenetic location: 6p24.3.
Variant type: single nucleotide variant.
Coding change: c.672C>G on transcript NM_004415.4 (MANE Select); coding-DNA position 672, C replaced by G.
Protein change: p.Ile224Met; replaces isoleucine 224 with methionine.
Molecular consequence: missense variant.
Genome position (GRCh38, 1-based): chr6:7,562,726, C>G. VCF-style: chr6-7562726-C-G. GRCh37 (hg19) VCF-style: chr6-7562959-C-G.
Other names: c.672C>G, p.Ile224Met (NM_001008844.3, NM_001319034.2, NM_001406591.1); short protein forms I224M.
Identifiers: ClinVar variation 3505474 (VCV003505474.1).
Genomic context (GRCh38, chr6:7,562,726, plus strand): 5'-GGTGGCCTGGGGTGTGGACCTGGCCTCAGTGGAGCAGCACATTAACAGCCACCGGGGCAT[C>G]CACAACTCCATCGGCGACTATCGCTGGCAGCTGGACAAAATCAAAGCCGACCTGGTACTT-3'
Protein context (NP_004406.2, residues 214-234): VEQHINSHRG[Ile224Met]HNSIGDYRWQ